The following is an entry in ClinVar:

ClinVar aggregate classification (germline): Uncertain significance (1 of 4 stars; one submission).

Conditions:
Cardiovascular phenotype. Identifiers: MedGen CN230736.

gnomAD v4.1: 1 of 1,550,052 alleles (0.000065%); highest among the groups gnomAD compares: Non-Finnish European, 0.000087%; no homozygotes.

Submission:

Ambry Genetics
Classification: Uncertain significance for Cardiovascular phenotype. Last evaluated: 2026-08-22. Review status: criteria provided, single submitter. Criteria: Ambry Variant Classification Scheme 2023. Collection method: clinical testing. Allele origin: germline.
Comment: The p.A3725G variant (also known as c.11174C>G), located in coding exon 2 of the ZNF469 gene, results from a C to G substitution at nucleotide position 11174. The alanine at codon 3725 is replaced by glycine, an amino acid with similar properties. This amino acid position is conserved. In addition, this alteration is predicted to be tolerated by in silico analysis. Based on the available evidence, the clinical significance of this variant remains unclear.

NM_001367624.2(ZNF469):c.11258C>G (p.Ala3753Gly)

Gene: ZNF469 (zinc finger protein 469; plus strand). Cytogenetic location: 16q24.2.
Variant type: single nucleotide variant.
Coding change: c.11258C>G on transcript NM_001367624.2 (MANE Select); coding-DNA position 11258, C replaced by G.
Protein change: p.Ala3753Gly; replaces alanine 3753 with glycine.
Molecular consequence: missense variant.
Genome position (GRCh38, 1-based): chr16:88,438,728, C>G. VCF-style: chr16-88438728-C-G. GRCh37 (hg19) VCF-style: chr16-88505136-C-G.
Other names: NM_001127464.1:c.11174C>G; short protein forms A3753G.
Identifiers: ClinVar variation 5032258 (VCV005032258.1).